The following is an entry in ClinVar:

NM_020631.6(PLEKHG5):c.2142_2156del (p.Glu719_Glu723del)

Gene: PLEKHG5 (pleckstrin homology and RhoGEF domain containing G5; minus strand). Cytogenetic location: 1p36.31.
Variant type: Deletion.
Coding change: c.2142_2156del on transcript NM_020631.6 (MANE Select); coding-DNA positions 2142 to 2156, 15 bases deleted (AGAGGAGGAGGAGGA).
Protein change: p.Glu719_Glu723del.
Molecular consequence: inframe deletion. On other transcripts: inframe indel (4).
Genome position (GRCh38, 1-based): chr1:6,469,135-6,469,149, TCCTCCTCCTCCTCT deleted on the plus strand (AGAGGAGGAGGAGGA on the coding strand, the reverse complement: PLEKHG5 is on the minus strand); deleting any 15 consecutive bases within chr1:6,469,135-6,469,159 gives the same sequence; the c. name uses the placement nearest the transcript's 3' end. VCF-style (leftmost placement, unchanged base first): chr1-6469134-CTCCTCCTCCTCCTCT-C. GRCh37 (hg19) VCF-style: chr1-6529194-CTCCTCCTCCTCCTCT-C.
Other names: c.2142_2156del15 (NM_020631.3); c.2253_2267del, p.Glu756_Glu760del (NM_001042663.3, NM_001265592.2); c.2132_2146delAGGAGGAGGAAGAGG, p.Glu719_Glu723del (NM_001042664.2, NM_001042665.2, NM_001265594.3); c.2339_2353delAGGAGGAGGAAGAGG, p.Glu788_Glu792del (NM_001265593.2); c.2142_2156del, p.Glu719_Glu723del (NM_198681.4).
Identifiers: ClinVar variation 1977082 (VCV001977082.4), dbSNP rs760699878, ClinGen allele CA561239.

ClinVar aggregate classification (germline): Conflicting classifications of pathogenicity. Review status: criteria provided, conflicting classifications (1 of 4 stars). 2 submissions from 2 submitters: Uncertain significance (1); Likely benign (1). Last evaluated 2022-12-06.

Conditions:
Neuronopathy, distal hereditary motor, autosomal recessive 4. Also called: NEUROPATHY, DISTAL HEREDITARY MOTOR, AUTOSOMAL RECESSIVE 4; Autosomal recessive lower motor neuron disease with childhood onset. Identifiers: Orphanet 206580, MedGen C1970211, MONDO:0012608, OMIM 611067.
Charcot-Marie-Tooth disease recessive intermediate C. Also called: CHARCOT-MARIE-TOOTH NEUROPATHY, RECESSIVE INTERMEDIATE C. Identifiers: Orphanet 369867, MedGen C3809309, MONDO:0014154, OMIM 615376.
Inborn genetic diseases. Identifiers: MedGen C0950123, MeSH D030342.

Submissions (2):

Ambry Genetics
Classification: Likely benign for Inborn genetic diseases. Last evaluated: 2022-12-06. Review status: criteria provided, single submitter. Criteria: Ambry Variant Classification Scheme 2023. Collection method: clinical testing. Allele origin: germline.

Labcorp Genetics (formerly Invitae), Labcorp
Classification: Uncertain significance for Neuronopathy, distal hereditary motor, autosomal recessive 4; Charcot-Marie-Tooth disease recessive intermediate C. Last evaluated: 2022-07-09. Review status: criteria provided, single submitter. Criteria: Invitae Variant Classification Sherloc (09022015). Collection method: clinical testing. Allele origin: germline.
Comment: This variant, c.2142_2156del, results in the deletion of 5 amino acid(s) of the PLEKHG5 protein (p.Glu719_Glu723del), but otherwise preserves the integrity of the reading frame. The frequency data for this variant in the population databases is considered unreliable, as metrics indicate poor data quality at this position in the gnomAD database. This variant has not been reported in the literature in individuals affected with PLEKHG5-related conditions. In summary, the available evidence is currently insufficient to determine the role of this variant in disease. Therefore, it has been classified as a Variant of Uncertain Significance.